The following is an entry in ClinVar:

ClinVar aggregate classification (germline): Likely benign (1 of 4 stars; one submission).

Allele frequency attached by ClinVar (database versions not stated): gnomAD exomes 0.00011; ExAC 0.00027; ESP Exome Variant Server 0.00057; gnomAD 0.00077; 1000 Genomes Project 0.00079; 1000 Genomes Project 30x 0.00083; TOPMed 0.00096.
gnomAD v4.1: 215 of 1,208,042 alleles (0.018%); highest among the groups gnomAD compares: African/African-American, 0.3%; no homozygotes.

Submission:

CeGaT Center for Human Genetics Tuebingen
Classification: Likely benign. Last evaluated: 2022-12-01. Review status: criteria provided, single submitter. Criteria: CeGaT Center For Human Genetics Tuebingen Variant Classification Criteria Version 2. Collection method: clinical testing. Allele origin: germline. Affected: yes. Observed: 1 variant allele.
Comment: CTAG2: BP4, BS2

NM_172377.5(CTAG2):c.469T>C (p.Ser157Pro)

Gene: CTAG2 (cancer/testis antigen 2; minus strand). Cytogenetic location: Xq28.
Variant type: single nucleotide variant.
Coding change: c.469T>C on transcript NM_172377.5 (MANE Select); coding-DNA position 469, T replaced by C.
Protein change: p.Ser157Pro; replaces serine 157 with proline.
Molecular consequence: missense variant. On other transcripts: 3 prime UTR variant (1).
Genome position (GRCh38, 1-based): chrX:154,652,203, A>G on the plus strand (T>C on the coding strand, the complement: CTAG2 is on the minus strand). VCF-style: chrX-154652203-A-G. GRCh37 (hg19) VCF-style: chrX-153880477-A-G.
Other names: c.*65T>C (NM_020994.5); short protein forms S157P.
Identifiers: ClinVar variation 2661856 (VCV002661856.24), dbSNP rs143520716, ClinGen allele CA10566477.